The following is an entry in ClinVar:

NM_016604.4(KDM3B):c.448G>A (p.Asp150Asn)

Gene: KDM3B (lysine demethylase 3B; plus strand). Cytogenetic location: 5q31.2.
Variant type: single nucleotide variant.
Coding change: c.448G>A on transcript NM_016604.4 (MANE Select); coding-DNA position 448, G replaced by A.
Protein change: p.Asp150Asn; replaces aspartic acid 150 with asparagine.
Molecular consequence: missense variant.
Genome position (GRCh38, 1-based): chr5:138,375,180, G>A. VCF-style: chr5-138375180-G-A. GRCh37 (hg19) VCF-style: chr5-137710869-G-A.
Other names: short protein forms D150N.
Identifiers: ClinVar variation 3361483 (VCV003361483.1).

ClinVar aggregate classification (germline): Uncertain significance (1 of 4 stars; one submission).

Submission:

GeneDx
Classification: Uncertain significance. Last evaluated: 2023-07-24. Review status: criteria provided, single submitter. Criteria: GeneDx Variant Classification Process June 2021. Collection method: clinical testing. Allele origin: germline. Affected: yes.
Comment: Not observed at significant frequency in large population cohorts (gnomAD); In silico analysis supports that this missense variant does not alter protein structure/function; Has not been previously published as pathogenic or benign to our knowledge